The following is an entry in ClinVar:

ClinVar aggregate classification (germline): Likely benign (1 of 4 stars; one submission).

Conditions:
Leigh syndrome (NULS). Also called: Leigh's necrotizing encephalopathy; Leigh's disease; Leigh Syndrome (mtDNA deletion); Leigh Disease; Subacute necrotizing encephalopathy; Necrotizing encephalopathy infantile subacute of Leigh. Identifiers: Orphanet 506, MedGen C2931891, MONDO:0009723, OMIM 256000.

Submission:

Wong Mito Lab, Molecular and Human Genetics, Baylor College of Medicine
Classification: Likely benign for Leigh syndrome. Last evaluated: 2019-10-17. Review status: criteria provided, single submitter. Criteria: Modified ACMG Guidelines (Unpublished). Collection method: clinical testing. Allele origin: germline.
Comment: The NC_012920.1:m.11268C>T (YP_003024035.1:p.Thr170Ile) variant in MTND4 gene is interpretated to be a Likely Benign variant based on the modified ACMG guidelines (unpublished). This variant meets the following evidence codes: BS1, BP4

NC_012920.1(MT-ND4):m.11268C>T

Gene: MT-ND4 (mitochondrially encoded NADH dehydrogenase 4; plus strand).
Variant type: single nucleotide variant.
Genome position: chrM-11268-C-T.
Identifiers: ClinVar variation 693358 (VCV000693358.1), dbSNP rs879011423, ClinGen allele CA337099144.